The following is an entry in ClinVar:

NM_022168.4(IFIH1):c.2561T>G (p.Met854Arg)

Gene: IFIH1 (interferon induced with helicase C domain 1; minus strand). Cytogenetic location: 2q24.2.
Variant type: single nucleotide variant.
Coding change: c.2561T>G on transcript NM_022168.4 (MANE Select); coding-DNA position 2561, T replaced by G.
Protein change: p.Met854Arg; replaces methionine 854 with arginine.
Molecular consequence: missense variant.
Genome position (GRCh38, 1-based): chr2:162,272,281, A>C on the plus strand (T>G on the coding strand, the complement: IFIH1 is on the minus strand). VCF-style: chr2-162272281-A-C. GRCh37 (hg19) VCF-style: chr2-163128791-A-C.
Other names: short protein forms M854R.
Identifiers: ClinVar variation 858942 (VCV000858942.9), dbSNP rs138373022, ClinGen allele CA1934146.

ClinVar aggregate classification (germline): Uncertain significance (1 of 4 stars; one submission).

Conditions:
Singleton-Merten syndrome 1 (SGMRT1). Also called: Widened medullary cavities of bone, aortic calcification, abnormal dentition, and muscular weakness; Syndrome of widened medullary cavities of the metacarpals and phalanges, aortic calcification and abnormal dentition. Identifiers: Orphanet 85191, MedGen C4225427, MONDO:0024535, OMIM 182250.
Aicardi-Goutieres syndrome 7 (AGS7). Identifiers: Orphanet 51, MedGen C3888244, MONDO:0014367, OMIM 615846.

Allele frequency attached by ClinVar (database versions not stated): gnomAD exomes 0.00001 and 0.00002; TOPMed 0.00004; gnomAD 0.00001; ESP Exome Variant Server 0.00015; ExAC 0.00001.
gnomAD v4.1: 16 of 1,612,888 alleles (0.00099%); highest among the groups gnomAD compares: Non-Finnish European, 0.0014%; no homozygotes.

Submission:

Labcorp Genetics (formerly Invitae), Labcorp
Classification: Uncertain significance for Aicardi-Goutieres syndrome 7; Singleton-Merten syndrome 1. Last evaluated: 2025-04-22. Review status: criteria provided, single submitter. Criteria: Invitae Variant Classification Sherloc (09022015). Collection method: clinical testing. Allele origin: germline.
Comment: This sequence change replaces methionine, which is neutral and non-polar, with arginine, which is basic and polar, at codon 854 of the IFIH1 protein (p.Met854Arg). This variant is present in population databases (rs138373022, gnomAD 0.004%). This variant has not been reported in the literature in individuals affected with IFIH1-related conditions. ClinVar contains an entry for this variant (Variation ID: 858942). Invitae Evidence Modeling incorporating data from in vitro experimental studies (internal data) indicates that this missense variant is not expected to disrupt IFIH1 function with a negative predictive value of 95%. Algorithms developed to predict the effect of sequence changes on RNA splicing suggest that this variant may disrupt the consensus splice site. This variant disrupts the p.Met854 amino acid residue in IFIH1. Other variant(s) that disrupt this residue have been determined to be pathogenic (PMID: 29270977). This suggests that this residue is clinically significant, and that variants that disrupt this residue are likely to be disease-causing. In summary, the available evidence is currently insufficient to determine the role of this variant in disease. Therefore, it has been classified as a Variant of Uncertain Significance.

Literature cited by the submitters: PubMed 29270977.